The following is an entry in ClinVar:

ClinVar aggregate classification (germline): Conflicting classifications of pathogenicity. Review status: criteria provided, conflicting classifications (1 of 4 stars). 4 submissions from 4 submitters: Uncertain significance (3); Likely benign (1). Last evaluated 2025-07-08.

Conditions:
Arrhythmogenic cardiomyopathy with wooly hair and keratoderma. Also called: Arrhythmogenic cardiomyopathy with woolly hair and keratoderma; Dilated cardiomyopathy with woolly hair and keratoderma; PALMOPLANTAR KERATODERMA WITH LEFT VENTRICULAR CARDIOMYOPATHY AND WOOLLY HAIR; Carvajal syndrome. Identifiers: Orphanet 65282, MedGen C1854063, MONDO:0011581, OMIM 605676.
Arrhythmogenic right ventricular dysplasia 8 (ARVD8). Also called: ARRHYTHMOGENIC RIGHT VENTRICULAR DYSPLASIA, FAMILIAL, 8; ARRHYTHMOGENIC RIGHT VENTRICULAR CARDIOMYOPATHY 8; Arrhythmogenic Right Ventricular Dysplasia/Cardiomyopathy 8. Identifiers: MedGen C1843896, MONDO:0011831, OMIM 607450.
Cardiomyopathy (CMYO). Also called: Cardiomyopathies. Identifiers: Orphanet 167848, MedGen C0878544, MONDO:0004994, HP:0001638. Inheritance: Various modes of inheritance.

gnomAD v4.1: 15 of 1,614,108 alleles (0.00093%); highest among the groups gnomAD compares: Non-Finnish European, 0.0013%; no homozygotes.

Submissions (4):

Labcorp Genetics (formerly Invitae), Labcorp
Classification: Uncertain significance for Arrhythmogenic cardiomyopathy with wooly hair and keratoderma; Arrhythmogenic right ventricular dysplasia 8. Last evaluated: 2025-07-08. Review status: criteria provided, single submitter. Criteria: Invitae Variant Classification Sherloc (09022015). Collection method: clinical testing. Allele origin: germline.
Comment: This sequence change replaces glutamic acid, which is acidic and polar, with alanine, which is neutral and non-polar, at codon 1345 of the DSP protein (p.Glu1345Ala). This variant is not present in population databases (gnomAD no frequency). This variant has not been reported in the literature in individuals affected with DSP-related conditions. ClinVar contains an entry for this variant (Variation ID: 192116). An algorithm developed to predict the effect of missense changes on protein structure and function (PolyPhen-2) suggests that this variant is likely to be disruptive. In summary, the available evidence is currently insufficient to determine the role of this variant in disease. Therefore, it has been classified as a Variant of Uncertain Significance.

All of Us Research Program, National Institutes of Health
Classification: Uncertain significance for Arrhythmogenic cardiomyopathy with wooly hair and keratoderma. Last evaluated: 2024-04-16. Review status: criteria provided, single submitter. Criteria: ACMG Guidelines, 2015. Collection method: clinical testing. Allele origin: germline. Inheritance: Autosomal dominant inheritance. Observed: 3 variant alleles, 3 heterozygotes.
Comment: This missense variant replaces glutamic acid with alanine at codon 1345 of the DSP protein. Computational prediction is inconclusive regarding the impact of this variant on protein structure and function (internally defined REVEL score threshold 0.5 < inconclusive < 0.7, PMID: 27666373). To our knowledge, functional studies have not been reported for this variant. This variant has not been reported in individuals affected with DSP-related disorders in the literature. This variant has not been identified in the general population by the Genome Aggregation Database (gnomAD). The available evidence is insufficient to determine the role of this variant in disease conclusively. Therefore, this variant is classified as a Variant of Uncertain Significance.

This study involves interpretation of variants in research participants for the purpose of population health screening. Participant phenotype was not available at the time of variant classification. Additional details can be found in publication PMID: 35346344, PMCID: PMC8962531

Color Diagnostics, LLC DBA Color Health
Classification: Uncertain significance for Cardiomyopathy. Last evaluated: 2024-03-19. Review status: criteria provided, single submitter. Criteria: ACMG Guidelines, 2015. Collection method: clinical testing. Allele origin: germline.
Comment: This missense variant replaces glutamic acid with alanine at codon 1345 of the DSP protein. Computational prediction is inconclusive regarding the impact of this variant on protein structure and function. To our knowledge, functional studies have not been reported for this variant. This variant has not been reported in individuals affected with DSP-related disorders in the literature. This variant has not been identified in the general population by the Genome Aggregation Database (gnomAD). The available evidence is insufficient to determine the role of this variant in disease conclusively. Therefore, this variant is classified as a Variant of Uncertain Significance.

Biesecker Lab/Clinical Genomics Section, National Institutes of Health
Classification: Likely benign. Last evaluated: 2013-06-24. Review status: criteria provided, single submitter. Criteria: Ng et al. (Circ Cardiovasc Genet. 2013). Collection method: research. Allele origin: unknown. Observed: 2 variant alleles. Study: ClinSeq.
Comment: The study set was not selected for affection status in relation to any cancer. Pathogenicity categories were based on literature curation. See Pubmed ID:23861362 for details.

Medical sequencing

NM_004415.4(DSP):c.4034A>C (p.Glu1345Ala)

Gene: DSP (desmoplakin; plus strand). Cytogenetic location: 6p24.3.
Variant type: single nucleotide variant.
Coding change: c.4034A>C on transcript NM_004415.4 (MANE Select); coding-DNA position 4034, A replaced by C.
Protein change: p.Glu1345Ala; replaces glutamic acid 1345 with alanine.
Molecular consequence: missense variant. On other transcripts: intron variant (1).
Genome position (GRCh38, 1-based): chr6:7,580,224, A>C. VCF-style: chr6-7580224-A-C. GRCh37 (hg19) VCF-style: chr6-7580457-A-C.
Other names: c.4034A>C, p.Glu1345Ala (NM_001319034.2); c.3582+452A>C (NM_001008844.3); c.4034A>C (LRG_423t1); short protein forms E1345A.
Identifiers: ClinVar variation 192116 (VCV000192116.13), dbSNP rs201964660, ClinGen allele CA004347.
Genomic context (GRCh38, chr6:7,580,224, plus strand): 5'-AGGAGATCGAGAGACTCAAAGCTGAGTTTCAGGAGGAGGCCAAGCGCCGCTGGGAATATG[A>C]AAATGAACTGAGTAAGGTAAGAAACAATTATGATGAGGAGATCATTAGCTTAAAAAATCA-3'
Protein context (NP_004406.2, residues 1335-1355): QEEAKRRWEY[Glu1345Ala]NELSKVRNNY